The following is an entry in ClinVar:

NM_012233.3(RAB3GAP1):c.815_816delinsTG (p.Cys272Leu)

Gene: RAB3GAP1 (RAB3 GTPase activating protein catalytic subunit 1; plus strand). Cytogenetic location: 2q21.3.
Variant type: Indel.
Coding change: c.815_816delinsTG on transcript NM_012233.3 (MANE Select); coding-DNA positions 815 to 816, GC replaced by TG.
Protein change: p.Cys272Leu; replaces cysteine 272 with leucine.
Molecular consequence: missense variant.
Genome position (GRCh38, 1-based): chr2:135,124,231-135,124,232, GC replaced by TG. VCF-style: chr2-135124231-GC-TG. GRCh37 (hg19) VCF-style: chr2-135881801-GC-TG.
Other names: c.815_816delinsTG, p.Cys272Leu (NM_001172435.2); short protein forms C272L.
Identifiers: ClinVar variation 1951656 (VCV001951656.5), dbSNP rs2468199569, ClinGen allele CA2580063812.

ClinVar aggregate classification (germline): Uncertain significance (1 of 4 stars; one submission).

Submission:

Labcorp Genetics (formerly Invitae), Labcorp
Classification: Uncertain significance. Last evaluated: 2022-08-14. Review status: criteria provided, single submitter. Criteria: Invitae Variant Classification Sherloc (09022015). Collection method: clinical testing. Allele origin: germline.
Comment: In summary, the available evidence is currently insufficient to determine the role of this variant in disease. Therefore, it has been classified as a Variant of Uncertain Significance. Algorithms developed to predict the effect of missense changes on protein structure and function are either unavailable or do not agree on the potential impact of this missense change (SIFT: "Not Available"; PolyPhen-2: "Benign"; Align-GVGD: "Not Available"). This variant has not been reported in the literature in individuals affected with RAB3GAP1-related conditions. Information on the frequency of this variant in the gnomAD database is not available, as this variant may be reported differently in the database. This sequence change replaces cysteine, which is neutral and slightly polar, with leucine, which is neutral and non-polar, at codon 272 of the RAB3GAP1 protein (p.Cys272Leu).